The following is an entry in ClinVar:

ClinVar aggregate classification (germline): Uncertain significance (1 of 4 stars; one submission).

Conditions:
Inborn genetic diseases. Identifiers: MedGen C0950123, MeSH D030342.

gnomAD v4.1: 1 of 1,610,278 alleles (0.000062%); highest among the groups gnomAD compares: Non-Finnish European, 0.000085%; no homozygotes.

Submission:

Ambry Genetics
Classification: Uncertain significance for Inborn genetic diseases. Last evaluated: 2025-06-08. Review status: criteria provided, single submitter. Criteria: Ambry Variant Classification Scheme 2023. Collection method: clinical testing. Allele origin: germline.
Comment: The p.Q354R variant (also known as c.1061A>G), located in coding exon 6 of the FANCM gene, results from an A to G substitution at nucleotide position 1061. The glutamine at codon 354 is replaced by arginine, an amino acid with highly similar properties. This amino acid position is conserved. In addition, this alteration is predicted to be tolerated by in silico analysis. Based on the available evidence, the clinical significance of this variant remains unclear.

NM_020937.4(FANCM):c.1061A>G (p.Gln354Arg)

Gene: FANCM (FA complementation group M; plus strand). Cytogenetic location: 14q21.2.
Variant type: single nucleotide variant.
Coding change: c.1061A>G on transcript NM_020937.4 (MANE Select); coding-DNA position 1061, A replaced by G.
Protein change: p.Gln354Arg; replaces glutamine 354 with arginine.
Molecular consequence: missense variant.
Genome position (GRCh38, 1-based): chr14:45,153,930, A>G. VCF-style: chr14-45153930-A-G. GRCh37 (hg19) VCF-style: chr14-45623133-A-G.
Other names: c.983A>G, p.Gln328Arg (NM_001308133.2); c.1061A>G, p.Gln354Arg (NM_001308134.2); short protein forms Q354R, Q328R.
Identifiers: ClinVar variation 4022869 (VCV004022869.1).